The following is an entry in ClinVar:

ClinVar aggregate classification (germline): Benign (1 of 4 stars; one submission).

Conditions:
Sessile serrated polyposis cancer syndrome (SSPCS). Identifiers: Orphanet 157798, MedGen C4310714, MONDO:0014919, OMIM 617108.

gnomAD v4.1: 2 of 1,613,298 alleles (0.00012%); highest among the groups gnomAD compares: Non-Finnish European, 0.00017%; no homozygotes.

Submission:

Myriad Genetics, Inc.
Classification: Benign for Sessile serrated polyposis cancer syndrome. Last evaluated: 2026-07-02. Review status: criteria provided, single submitter. Criteria: Myriad Autosomal Dominant, Autosomal Recessive and X-Linked Classification Criteria (2023). Collection method: clinical testing. Allele origin: unknown.
Comment: This variant is considered benign. This variant is a silent/synonymous amino acid change and it is not expected to impact splicing.

NM_017763.6(RNF43):c.1575T>C (p.Ser525=)

Gene: RNF43 (ring finger protein 43; minus strand). Cytogenetic location: 17q22.
Variant type: single nucleotide variant.
Coding change: c.1575T>C on transcript NM_017763.6 (MANE Select); coding-DNA position 1575, T replaced by C.
Protein change: p.Ser525=; no amino-acid change (serine 525 retained).
Molecular consequence: synonymous variant.
Genome position (GRCh38, 1-based): chr17:58,358,201, A>G on the plus strand (T>C on the coding strand, the complement: RNF43 is on the minus strand). VCF-style: chr17-58358201-A-G. GRCh37 (hg19) VCF-style: chr17-56435562-A-G.
Other names: c.1575T>C, p.Ser525= (NM_001305544.3, NM_001438820.1, NM_001438821.1 and 1 more transcripts); c.1194T>C, p.Ser398= (NM_001305545.2, NM_001437987.1).
Identifiers: ClinVar variation 5042358 (VCV005042358.1).
Genomic context (GRCh38, chr17:58,358,201, plus strand): 5'-GGAAACCTGGGTTTCCCCTGTGGGCACCACCGAGTCCAAGGAACGAGGCCGAGAGGTCAC[A>G]CTAGGCTGCATGTCCACTCGCTGGGGATCCCCTTTAGGGCTGCAGTACACTAGGGGGTCA-3'
Protein context (NP_060233.3, residues 515-535): GDPQRVDMQP[Ser525=]VTSRPRSLDS